The following is an entry in ClinVar:

ClinVar aggregate classification (germline): Pathogenic/Likely pathogenic. Review status: criteria provided, multiple submitters, no conflicts (2 of 4 stars). 8 submissions from 8 submitters: Pathogenic (6); Likely pathogenic (1). 1 of the submissions does not count toward it. Last evaluated 2026-04-23.

Conditions:
Congenital glaucoma. Identifiers: MedGen C0020302, MONDO:0020366.
Glaucoma 3A. Also called: Glaucoma 3, primary congenital, A. Identifiers: Orphanet 98976, Orphanet 98977, MedGen C1856439, MONDO:0009277, OMIM 231300.
Glaucoma 3, primary infantile, B. Also called: GLAUCOMA, PRIMARY CONGENITAL, TYPE B; GLC3B; GLC3 type B; Primary congenital glaucoma type 3B; Glaucoma primary congenita type 3B. Identifiers: Orphanet 98976, MedGen C1832977, MONDO:0010968, OMIM 600975.
Anterior segment dysgenesis 6 (ASGD6). Also called: Anterior segment dysgenesis 6, multiple subtypes. Identifiers: MedGen C4310623, MONDO:0015016, OMIM 617315.
CYP1B1-related disorder. Also called: CYP1B1-Related Disorders. Identifiers: MedGen CN239260.

Submissions (8):

PreventionGenetics, part of Exact Sciences
Classification: Pathogenic for CYP1B1-related condition. Last evaluated: 2026-04-23. Review status: criteria provided, single submitter. Criteria: ACMG Guidelines, 2015. Collection method: clinical testing. Allele origin: germline.
Comment: The CYP1B1 c.830delT variant is predicted to result in premature protein termination (p.Leu277*). This variant is alternatively referred to as c.1176delT in the literature. This variant was reported in the homozygous and compound heterozygous states in individuals with primary congenital glaucoma (Messina-Baas et al. 2007. PubMed ID: 17164573; Oliva-Biénzobas et al. 2017. PubMed ID: 28644236). This variant is reported in 0.023% of alleles in individuals of Latino descent in gnomAD. Nonsense variants in CYP1B1 are expected to be pathogenic. This variant is interpreted as pathogenic.

Dasa
Classification: Pathogenic. Last evaluated: 2026-01-06. Review status: criteria provided, single submitter. Criteria: DASA Assertion Criteria. Collection method: clinical testing. Allele origin: germline.
Comment: NM_000104.4(CYP1B1):c.830del (p.Leu277*) introduces a premature termination codon predicted to result in loss of normal protein function. Loss-of-function is an established mechanism of disease for this gene. This variant has been observed in affected individuals with related phenotype in a genotype context consistent with recessive disease (PMID: 28644236; PMID: 23922489; PMID: 37762649). This variant has been recurrently observed in individuals with related phenotype (PMID: 28644236; PMID: 23922489; PMID: 37762649). The variant is present at low frequency in population datasets. Based on the available data, this variant is classified as pathogenic.

GeneDx
Classification: Pathogenic. Last evaluated: 2024-12-16. Review status: criteria provided, single submitter. Criteria: GeneDx Variant Classification Process June 2021. Collection method: clinical testing. Allele origin: germline. Affected: yes.
Comment: Nonsense variant predicted to result in protein truncation or nonsense mediated decay in a gene for which loss of function is a known mechanism of disease; This variant is associated with the following publications: (PMID: 31589614, 37762649, 17164573, 28644236)

Baylor Genetics
Classification: Pathogenic for Anterior segment dysgenesis 6. Last evaluated: 2024-03-08. Review status: criteria provided, single submitter. Criteria: ACMG Guidelines, 2015. Collection method: clinical testing. Allele origin: unknown.

Labcorp Genetics (formerly Invitae), Labcorp
Classification: Pathogenic for Congenital glaucoma. Last evaluated: 2023-12-02. Review status: criteria provided, single submitter. Criteria: Invitae Variant Classification Sherloc (09022015). Collection method: clinical testing. Allele origin: germline.
Comment: This sequence change creates a premature translational stop signal (p.Leu277*) in the CYP1B1 gene. It is expected to result in an absent or disrupted protein product. Loss-of-function variants in CYP1B1 are known to be pathogenic (PMID: 9097971, 9497261, 19234632). The frequency data for this variant in the population databases is considered unreliable, as metrics indicate poor data quality at this position in the gnomAD database. This premature translational stop signal has been observed in individual(s) with primary congenital glaucoma (PMID: 17164573, 19247456). This variant is also known as 1176delT. ClinVar contains an entry for this variant (Variation ID: 265390). For these reasons, this variant has been classified as Pathogenic.

Fulgent Genetics
Classification: Pathogenic for Glaucoma 3A; Glaucoma 3, primary infantile, B; Anterior segment dysgenesis 6. Last evaluated: 2022-04-18. Review status: criteria provided, single submitter. Criteria: ACMG Guidelines, 2015. Collection method: clinical testing. Allele origin: unknown.

3billion
Classification: Likely pathogenic for Glaucoma 3A. Last evaluated: 2022-01-03. Review status: criteria provided, single submitter. Criteria: ACMG Guidelines, 2015. Collection method: clinical testing. Allele origin: germline. Affected: yes. Observed: 1 heterozygote.
Comment: Frameshift: predicted to result in a loss or disruption of normal protein function through protein truncation. Multiple pathogenic variants are reported in the predicted truncated region (PVS1_S). The variant has been reported at least twice as pathogenic/likely pathogenic with clinical assertions and evidence for the classification (ClinVar ID: VCV000265390, PMID:17164573). It is observed at an extremely low frequency in the gnomAD v2.1.1 dataset (total allele frequency: 0.000033, PM2_M). Therefore, this variant is classified as likely pathogenic according to the recommendation of ACMG/AMP guideline.

OMIM
Classification: Pathogenic for ANTERIOR SEGMENT DYSGENESIS 6. Last evaluated: 2021-05-26. Review status: no assertion criteria provided. Collection method: literature only. Allele origin: germline. Not counted in ClinVar's aggregate classification.

Literature cited by the submitters: PubMed 28644236 (cited by Dasa and OMIM); PubMed 23922489 (cited by Dasa); PubMed 37762649 (cited by Dasa); PubMed 9097971 (cited by Labcorp Genetics (formerly Invitae), Labcorp); PubMed 9497261 (cited by Labcorp Genetics (formerly Invitae), Labcorp); PubMed 19234632 (cited by Labcorp Genetics (formerly Invitae), Labcorp); PubMed 17164573 (cited by Labcorp Genetics (formerly Invitae), Labcorp and 3billion); PubMed 19247456 (cited by Labcorp Genetics (formerly Invitae), Labcorp).

NM_000104.4(CYP1B1):c.830del (p.Phe276_Leu277insTer)

Gene: CYP1B1 (cytochrome P450 family 1 subfamily B member 1; minus strand). Cytogenetic location: 2p22.2.
Variant type: Deletion.
Coding change: c.830del on transcript NM_000104.4 (MANE Select); coding-DNA position 830, one base deleted (T; older notation c.830delT).
Protein change: p.Phe276_Leu277insTer.
Molecular consequence: nonsense.
Genome position (GRCh38, 1-based): chr2:38,074,559, A deleted on the plus strand (T on the coding strand, the reverse complement: CYP1B1 is on the minus strand); the first of 2 consecutive A bases (chr2:38,074,559-38,074,560); deleting either gives the same sequence. VCF-style (leftmost placement, unchanged base first): chr2-38074558-CA-C. GRCh37 (hg19) VCF-style: chr2-38301701-CA-C.
Other names: c.830delT (NM_000104.3); c.829del (NM_000104.3).
Identifiers: ClinVar variation 265390 (VCV000265390.21), dbSNP rs766425037, ClinGen allele CA1619958.